The following is an entry in ClinVar:

NM_005518.4(HMGCS2):c.830T>A (p.Ile277Asn)

Gene: HMGCS2 (3-hydroxy-3-methylglutaryl-CoA synthase 2; minus strand). Cytogenetic location: 1p12.
Variant type: single nucleotide variant.
Coding change: c.830T>A on transcript NM_005518.4 (MANE Select); coding-DNA position 830, T replaced by A.
Protein change: p.Ile277Asn; replaces isoleucine 277 with asparagine.
Molecular consequence: missense variant.
Genome position (GRCh38, 1-based): chr1:119,759,138, A>T on the plus strand (T>A on the coding strand, the complement: HMGCS2 is on the minus strand). VCF-style: chr1-119759138-A-T. GRCh37 (hg19) VCF-style: chr1-120301761-A-T.
Other names: c.704T>A, p.Ile235Asn (NM_001166107.1); short protein forms I277N, I235N.
Identifiers: ClinVar variation 874559 (VCV000874559.11), dbSNP rs775637086, ClinGen allele CA1037781.

ClinVar aggregate classification (germline): Uncertain significance. Review status: criteria provided, multiple submitters, no conflicts (2 of 4 stars). 4 submissions from 4 submitters: Uncertain significance (4). Last evaluated 2023-06-06.

Conditions:
Inborn genetic diseases. Identifiers: MedGen C0950123, MeSH D030342.
3-hydroxy-3-methylglutaryl-CoA synthase deficiency (HMGCS2D). Also called: MITOCHONDRIAL HMG-CoA SYNTHASE DEFICIENCY; HMG-CoA synthase-2 deficiency; HMGCS2 DEFICIENCY. Identifiers: Orphanet 35701, MedGen C2751532, MONDO:0011614, OMIM 605911.

Allele frequency attached by ClinVar (database versions not stated): TOPMed 0.00001; ExAC 0.00002; gnomAD exomes 0.00002.
gnomAD v4.1: 10 of 1,613,946 alleles (0.00062%); highest among the groups gnomAD compares: East Asian, 0.0045%; no homozygotes.

Submissions (4):

Ambry Genetics
Classification: Uncertain significance for Inborn genetic diseases. Last evaluated: 2023-06-06. Review status: criteria provided, single submitter. Criteria: Ambry Variant Classification Scheme 2023. Collection method: clinical testing. Allele origin: germline.

Labcorp Genetics (formerly Invitae), Labcorp
Classification: Uncertain significance for 3-hydroxy-3-methylglutaryl-CoA synthase deficiency. Last evaluated: 2021-10-12. Review status: criteria provided, single submitter. Criteria: Invitae Variant Classification Sherloc (09022015). Collection method: clinical testing. Allele origin: germline.
Comment: This sequence change replaces isoleucine with asparagine at codon 277 of the HMGCS2 protein (p.Ile277Asn). The isoleucine residue is moderately conserved and there is a large physicochemical difference between isoleucine and asparagine. This variant is present in population databases (rs775637086, ExAC 0.03%). This variant has not been reported in the literature in individuals affected with HMGCS2-related conditions. ClinVar contains an entry for this variant (Variation ID: 874559). Algorithms developed to predict the effect of missense changes on protein structure and function are either unavailable or do not agree on the potential impact of this missense change (SIFT: "Deleterious"; PolyPhen-2: "Probably Damaging"; Align-GVGD: "Class C15"). In summary, the available evidence is currently insufficient to determine the role of this variant in disease. Therefore, it has been classified as a Variant of Uncertain Significance.

GeneDx
Classification: Uncertain significance. Last evaluated: 2019-04-19. Review status: criteria provided, single submitter. Criteria: GeneDx Variant Classification Process June 2021. Collection method: clinical testing. Allele origin: germline. Affected: yes.
Comment: The majority of missense variants in this gene are considered pathogenic (Stenson et al., 2014); In silico analysis, which includes protein predictors and evolutionary conservation, supports a deleterious effect; Has not been previously published as pathogenic or benign to our knowledge

Illumina Laboratory Services, Illumina
Classification: Uncertain significance for 3-hydroxy-3-methylglutaryl-CoA synthase deficiency. Last evaluated: 2017-04-28. Review status: criteria provided, single submitter. Criteria: ICSL Variant Classification Criteria 13 December 2019. Collection method: clinical testing. Allele origin: germline.